The following is an entry in ClinVar:

ClinVar aggregate classification (germline): Likely pathogenic. Review status: criteria provided, multiple submitters, no conflicts (2 of 4 stars). 2 submissions from 2 submitters: Likely pathogenic (2). Last evaluated 2026-01-26.

Conditions:
Cardiovascular phenotype. Identifiers: MedGen CN230736.
Dilated cardiomyopathy 1G (CMD1G). Identifiers: Orphanet 154, MedGen C1858763, MONDO:0011400, OMIM 604145.
Autosomal recessive limb-girdle muscular dystrophy type 2J (LGMDR10). Also called: Limb-girdle muscular dystrophy, type 2J; MUSCULAR DYSTROPHY, LIMB-GIRDLE, AUTOSOMAL RECESSIVE 10. Identifiers: Orphanet 140922, MedGen C1837342, MONDO:0012127, OMIM 608807.

Submissions (2):

Labcorp Genetics (formerly Invitae), Labcorp
Classification: Likely pathogenic for Dilated cardiomyopathy 1G; Autosomal recessive limb-girdle muscular dystrophy type 2J. Last evaluated: 2026-01-26. Review status: criteria provided, single submitter. Criteria: Invitae Variant Classification Sherloc (09022015). Collection method: clinical testing. Allele origin: germline.
Comment: This sequence change creates a premature translational stop signal (p.Glu22810Lysfs*14) in the TTN gene. While this is not anticipated to result in nonsense mediated decay, it is expected to create a truncated TTN protein. This variant is not present in population databases (gnomAD no frequency). This variant has not been reported in the literature in individuals affected with TTN-related conditions. ClinVar contains an entry for this variant (Variation ID: 2126261). This variant is located in the A band of TTN (PMID: 25589632). Truncating variants in this region are significantly overrepresented in patients affected with dilated cardiomyopathy (PMID: 25589632). Truncating variants in this region have also been reported in individuals affected with autosomal recessive centronuclear myopathy (PMID: 23975875). In summary, the currently available evidence indicates that the variant is pathogenic, but additional data are needed to prove that conclusively. Therefore, this variant has been classified as Likely Pathogenic.

Ambry Genetics
Classification: Likely pathogenic for Cardiovascular phenotype. Last evaluated: 2025-01-23. Review status: criteria provided, single submitter. Criteria: Ambry Variant Classification Scheme 2023. Collection method: clinical testing. Allele origin: germline.
Comment: The c.41232delT variant, located in coding exon 149 of the TTN gene, results from a deletion of one nucleotide at nucleotide position 41232, causing a translational frameshift with a predicted alternate stop codon (p.E13745Kfs*14). This exon is located in the A-band region of the N2-B isoform of the titin protein and is constitutively expressed in TTN transcripts (percent spliced in or PSI 100%). This variant is considered to be rare based on population cohorts in the Genome Aggregation Database (gnomAD). This alteration is expected to result in loss of function by premature protein truncation or nonsense-mediated mRNA decay. While truncating variants in TTN are present in 1-3% of the general population, truncating variants in the A-band are the most common cause of dilated cardiomyopathy (DCM) (Herman DS et al. N. Engl. J. Med., 2012 Feb;366:619-28; Roberts AM et al. Sci Transl Med, 2015 Jan;7:270ra6). TTN truncating variants encoded in constitutive exons (PSI >90%) have been found to be significantly associated with DCM regardless of their position in titin (Schafer S et al. Nat. Genet., 2017 01;49:46-53). Based on the majority of available evidence to date, this variant is likely to be pathogenic.

Literature cited by the submitters: PubMed 25589632 (cited by Labcorp Genetics (formerly Invitae), Labcorp); PubMed 23975875 (cited by Labcorp Genetics (formerly Invitae), Labcorp).

NM_001267550.2(TTN):c.68427del (p.Glu22810fs)

Genes: TTN (titin; minus strand), TTN-AS1 (TTN antisense RNA 1; plus strand). Cytogenetic location: 2q31.2.
Variant type: Deletion.
Coding change: c.68427del on transcript NM_001267550.2 (MANE Select); coding-DNA position 68427, one base deleted (T; older notation c.68427delT).
Protein change: p.Glu22810fs; shifts the reading frame from glutamic acid 22810.
Molecular consequence: frameshift variant.
Genome position (GRCh38, 1-based): chr2:178,578,088, A deleted on the plus strand (T on the coding strand, the reverse complement: TTN is on the minus strand). VCF-style (leftmost placement, unchanged base first): chr2-178578087-CA-C. GRCh37 (hg19) VCF-style: chr2-179442814-CA-C.
Other names: c.41232delT (NM_003319.4); c.63504del, p.Glu21169fs (NM_001256850.1); c.41232del, p.Glu13745fs (NM_003319.4); c.60723del, p.Glu20242fs (NM_133378.4); c.41607del, p.Glu13870fs (NM_133432.3); c.41808del, p.Glu13937fs (NM_133437.4); short protein forms E13745fs, E13870fs, E20242fs, E21169fs, E22810fs, E13937fs.
Identifiers: ClinVar variation 2126261 (VCV002126261.5), dbSNP rs2468814033, ClinGen allele CA2580064588.
Genomic context (GRCh38, chr2:178,578,087, plus strand): 5'-TTGGCTTGCCCACACCTGCTAAATTGATTGCCATAACTCGGAATTCATATTCAAGACCTT[CA>C]GTTAATCCTGTCACTTTAAAGTCTCTCATCCTTATCGGAGTCTTGTTAGCTCTCTTCCAC-3'